The following is an entry in ClinVar:

NM_000038.6(APC):c.3628C>T (p.His1210Tyr)

Gene: APC (APC regulator of Wnt signaling pathway; plus strand). Cytogenetic location: 5q22.2.
Variant type: single nucleotide variant.
Coding change: c.3628C>T on transcript NM_000038.6 (MANE Select); coding-DNA position 3628, C replaced by T.
Protein change: p.His1210Tyr; replaces histidine 1210 with tyrosine.
Molecular consequence: missense variant.
Genome position (GRCh38, 1-based): chr5:112,839,222, C>T. VCF-style: chr5-112839222-C-T. GRCh37 (hg19) VCF-style: chr5-112174919-C-T.
Other names: c.3628C>T, p.His1210Tyr (NM_001127510.3, NM_001354895.2); c.3574C>T, p.His1192Tyr (NM_001127511.3); c.3682C>T, p.His1228Tyr (NM_001354896.2); c.3658C>T, p.His1220Tyr (NM_001354897.2); c.3553C>T, p.His1185Tyr (NM_001354898.2); c.3544C>T, p.His1182Tyr (NM_001354899.2); c.3505C>T, p.His1169Tyr (NM_001354900.2); c.3451C>T, p.His1151Tyr (NM_001354901.2); and 5 more; short protein forms H1210Y, H1192Y, H1151Y, H1185Y, H1119Y, H1182Y, H1228Y, H927Y.
Identifiers: ClinVar variation 135698 (VCV000135698.27), dbSNP rs145181563, ClinGen allele CA008571.

ClinVar aggregate classification (germline): Conflicting classifications of pathogenicity. Review status: criteria provided, conflicting classifications (1 of 4 stars). 9 submissions from 9 submitters: Uncertain significance (7); Likely benign (1). 1 of the submissions does not count toward it. Last evaluated 2026-01-28.

Conditions:
Familial adenomatous polyposis 1 (FAP1). Also called: FAMILIAL ADENOMATOUS POLYPOSIS 1, ATTENUATED; POLYPOSIS, ADENOMATOUS INTESTINAL. Identifiers: MedGen C2713442, MONDO:0021056, OMIM 175100. Disease mechanism: loss of function.
Classic or attenuated familial adenomatous polyposis. Identifiers: MedGen CN372698, MONDO:0021057.
Hereditary cancer-predisposing syndrome. Also called: Tumor predisposition; Hereditary neoplastic syndrome; Neoplastic Syndromes, Hereditary; Hereditary Cancer Syndrome. Identifiers: Orphanet 140162, MedGen C0027672, MeSH D009386, MONDO:0015356.

Allele frequency attached by ClinVar (database versions not stated): gnomAD exomes 0.00001; ExAC 0.00002; TOPMed 0.00002; gnomAD 0.00003 and 0.00004; ESP Exome Variant Server 0.00008.
gnomAD v4.1: 21 of 1,614,008 alleles (0.0013%); highest among the groups gnomAD compares: African/African-American, 0.0027%; no homozygotes.

Submissions (9):

Labcorp Genetics (formerly Invitae), Labcorp
Classification: Uncertain significance for Familial adenomatous polyposis 1. Last evaluated: 2026-01-28. Review status: criteria provided, single submitter. Criteria: Invitae Variant Classification Sherloc (09022015). Collection method: clinical testing. Allele origin: germline.
Comment: This sequence change replaces histidine, which is basic and polar, with tyrosine, which is neutral and polar, at codon 1210 of the APC protein (p.His1210Tyr). This variant is present in population databases (rs145181563, gnomAD 0.002%). This variant has not been reported in the literature in individuals affected with APC-related conditions. ClinVar contains an entry for this variant (Variation ID: 135698). Invitae Evidence Modeling of protein sequence and biophysical properties (such as structural, functional, and spatial information, amino acid conservation, physicochemical variation, residue mobility, and thermodynamic stability) indicates that this missense variant is not expected to disrupt APC protein function with a negative predictive value of 95%. In summary, the available evidence is currently insufficient to determine the role of this variant in disease. Therefore, it has been classified as a Variant of Uncertain Significance.

Color Diagnostics, LLC DBA Color Health
Classification: Uncertain significance for Hereditary cancer-predisposing syndrome. Last evaluated: 2025-09-11. Review status: criteria provided, single submitter. Criteria: ACMG Guidelines, 2015. Collection method: clinical testing. Allele origin: germline.
Comment: This missense variant replaces histidine with tyrosine at codon 1210 of the APC protein. Computational prediction suggests that this variant may not impact protein structure and function. APC is defined as a gene for which primarily truncating variants are known to cause disease (ClinGen HCCP VCEP). To our knowledge, functional studies have not been reported for this variant. This variant has not been reported in individuals affected with APC-related disorders in the literature. This variant has been identified in 3/250592 chromosomes in the general population by the Genome Aggregation Database (gnomAD). The available evidence is insufficient to determine the role of this variant in disease conclusively. Therefore, this variant is classified as a Variant of Uncertain Significance.

GeneDx
Classification: Uncertain significance. Last evaluated: 2024-12-30. Review status: criteria provided, single submitter. Criteria: GeneDx Variant Classification Process June 2021. Collection method: clinical testing. Allele origin: germline. Affected: yes.
Comment: Not observed at significant frequency in large population cohorts (gnomAD); In silico analysis indicates that this missense variant does not alter protein structure/function; Has not been previously published as pathogenic or benign to our knowledge

St. Jude Molecular Pathology, St. Jude Children's Research Hospital
Classification: Uncertain significance for Familial adenomatous polyposis 1. Last evaluated: 2024-04-04. Review status: criteria provided, single submitter. Criteria: St. Jude Assertion Criteria 2020. Collection method: clinical testing. Allele origin: germline.
Comment: The APC c.3628C>T (p.His1210Tyr) missense change has a maximum subpopulation frequency of 0.0018% in gnomAD v2.1.1. The in silico tool REVEL is inconclusive about a pathogenic or benign effect of this variant on protein function, and to our knowledge functional studies have not been performed. To our knowledge, this variant has not been reported in individuals with APC-related familial adenomatous polyposis. In summary, the evidence currently available is insufficient to determine the clinical significance of this variant. It has therefore been classified as of uncertain significance.

All of Us Research Program, National Institutes of Health
Classification: Uncertain significance for Classic or attenuated familial adenomatous polyposis. Last evaluated: 2023-11-30. Review status: criteria provided, single submitter. Criteria: ACMG Guidelines, 2015. Collection method: clinical testing. Allele origin: germline. Inheritance: Autosomal dominant inheritance. Observed: 4 variant alleles, 4 heterozygotes.
Comment: This missense variant replaces histidine with tyrosine at codon 1210 of the APC protein. Computational prediction suggests that this variant may not impact protein structure and function (internally defined REVEL score threshold <= 0.5, PMID: 27666373). To our knowledge, functional studies have not been reported for this variant. This variant has not been reported in individuals affected with APC-related disorders in the literature. This variant has been identified in 3/250592 chromosomes in the general population by the Genome Aggregation Database (gnomAD). The available evidence is insufficient to determine the role of this variant in disease conclusively. Therefore, this variant is classified as a Variant of Uncertain Significance.

This study involves interpretation of variants in research participants for the purpose of population health screening. Participant phenotype was not available at the time of variant classification. Additional details can be found in publication PMID: 35346344, PMCID: PMC8962531

Quest Diagnostics Nichols Institute San Juan Capistrano
Classification: Uncertain significance. Last evaluated: 2023-11-04. Review status: criteria provided, single submitter. Criteria: Quest Diagnostics criteria. Collection method: clinical testing. Allele origin: unknown.
Comment: The APC c.3628C>T (p.His1210Tyr) variant has not been reported in individuals with APC-related conditions in the published literature. The frequency of this variant in the general population, 0.000048 (2/41434 chromosomes (Genome Aggregation Database)), is uninformative in the assessment of its pathogenicity. Analysis of this variant using bioinformatics tools for the prediction of the effect of amino acid changes on protein structure and function yielded predictions that this variant is benign. Based on the available information, we are unable to determine the clinical significance of this variant.

Baylor Genetics
Classification: Uncertain significance for Familial adenomatous polyposis 1. Last evaluated: 2023-10-09. Review status: criteria provided, single submitter. Criteria: ACMG Guidelines, 2015. Collection method: clinical testing. Allele origin: unknown.

Ambry Genetics
Classification: Likely benign for Hereditary cancer-predisposing syndrome. Last evaluated: 2023-03-28. Review status: criteria provided, single submitter. Criteria: Ambry Variant Classification Scheme 2023. Collection method: clinical testing. Allele origin: germline.

Department of Pathology and Laboratory Medicine, Sinai Health System
Classification: Pathogenic. Review status: no assertion criteria provided. Collection method: clinical testing. Allele origin: unknown. Affected: yes. Observed: 2 variant alleles. Study: The Canadian Open Genetics Repository (COGR). Not counted in ClinVar's aggregate classification.

Literature cited by the submitters: PubMed 28569743 (cited by Quest Diagnostics Nichols Institute San Juan Capistrano).